The following is an entry in ClinVar:

ClinVar aggregate classification (germline): Uncertain significance (1 of 4 stars; one submission).

Conditions:
Leigh syndrome (NULS). Also called: Leigh's necrotizing encephalopathy; Leigh's disease; Leigh Syndrome (mtDNA deletion); Leigh Disease; Subacute necrotizing encephalopathy; Necrotizing encephalopathy infantile subacute of Leigh. Identifiers: Orphanet 506, MedGen C2931891, MONDO:0009723, OMIM 256000.

Submission:

Wong Mito Lab, Molecular and Human Genetics, Baylor College of Medicine
Classification: Uncertain significance for Leigh syndrome. Last evaluated: 2019-10-17. Review status: criteria provided, single submitter. Criteria: Modified ACMG Guidelines (Unpublished). Collection method: clinical testing. Allele origin: germline.
Comment: The NC_012920.1:m.6060A>C (YP_003024028.1:p.Ile53Leu) variant in MTCO1 gene is interpretated to be a Uncertain Significance variant based on the modified ACMG guidelines (unpublished). This variant meets the following evidence codes: PP4, BP4

NC_012920.1(MT-CO1):m.6060A>C

Gene: MT-CO1 (mitochondrially encoded cytochrome c oxidase I; plus strand).
Variant type: single nucleotide variant.
Genome position: chrM-6060-A-C.
Identifiers: ClinVar variation 692612 (VCV000692612.1), dbSNP rs1603220250, ClinGen allele CA414781442.